The following is an entry in ClinVar:

ClinVar aggregate classification (germline): Uncertain significance (1 of 4 stars; one submission).

Conditions:
Multiple endocrine neoplasia, type 1 (MEN1). Also called: MEA I; MEN I; WERMER SYNDROME; Endocrine adenomatosis multiple; MEN 1. Identifiers: Orphanet 652, MedGen C0025267, MeSH D018761, MONDO:0007540, OMIM 131100.

Allele frequency attached by ClinVar (database versions not stated): gnomAD 0.00001.

Submission:

Labcorp Genetics (formerly Invitae), Labcorp
Classification: Uncertain significance for Multiple endocrine neoplasia, type 1. Last evaluated: 2025-10-03. Review status: criteria provided, single submitter. Criteria: Invitae Variant Classification Sherloc (09022015). Collection method: clinical testing. Allele origin: germline.
Comment: This sequence change replaces valine, which is neutral and non-polar, with methionine, which is neutral and non-polar, at codon 80 of the MEN1 protein (p.Val80Met). The frequency data for this variant in the population databases is considered unreliable, as metrics indicate poor data quality at this position in the gnomAD database. This variant has not been reported in the literature in individuals affected with MEN1-related conditions. ClinVar contains an entry for this variant (Variation ID: 2201393). Invitae Evidence Modeling of protein sequence and biophysical properties (such as structural, functional, and spatial information, amino acid conservation, physicochemical variation, residue mobility, and thermodynamic stability) has been performed for this missense variant. However, the output from this modeling did not meet the statistical confidence thresholds required to predict the impact of this variant on MEN1 protein function. In summary, the available evidence is currently insufficient to determine the role of this variant in disease. Therefore, it has been classified as a Variant of Uncertain Significance.

NM_001370259.2(MEN1):c.238G>A (p.Val80Met)

Gene: MEN1 (menin 1; minus strand). Cytogenetic location: 11q13.1.
Variant type: single nucleotide variant.
Coding change: c.238G>A on transcript NM_001370259.2 (MANE Select); coding-DNA position 238, G replaced by A.
Protein change: p.Val80Met; replaces valine 80 with methionine.
Molecular consequence: missense variant.
Genome position (GRCh38, 1-based): chr11:64,809,872, C>T on the plus strand (G>A on the coding strand, the complement: MEN1 is on the minus strand). VCF-style: chr11-64809872-C-T. GRCh37 (hg19) VCF-style: chr11-64577344-C-T.
Other names: c.238G>A, p.Val80Met (NM_000244.4, NM_001370251.2, NM_001370260.2 and 20 more transcripts); short protein forms V80M.
Identifiers: ClinVar variation 2201393 (VCV002201393.4), dbSNP rs1377058781, ClinGen allele CA381187581.